The following is an entry in ClinVar:

ClinVar aggregate classification (germline): Uncertain significance (0 of 4 stars; one submission).

Conditions:
Neurodegeneration with brain iron accumulation 2B. Also called: NEUROAXONAL DYSTROPHY, ATYPICAL; NEURODEGENERATION WITH BRAIN IRON ACCUMULATION, PLA2G6-RELATED; aNAD; atypical Neuroaxonal Dystrophy (aNAD). Identifiers: Orphanet 35069, MedGen C1857747, MONDO:0012444, OMIM 610217.

gnomAD v4.1: 6 of 1,455,514 alleles (0.00041%); highest among the groups gnomAD compares: Non-Finnish European, 0.00056%; no homozygotes.

Submission:

Department of Medical Genetics, Medical University of Warsaw
Classification: Uncertain significance for Neurodegeneration with brain iron accumulation 2B. Last evaluated: 2025-10-15. Review status: no assertion criteria provided. Collection method: research. Allele origin: paternal. Inheritance: Autosomal recessive inheritance. Affected: yes. Observed: 1 compound heterozygote.
Comment: The NM_003560.4(PLA2G6): c.854G>C(p.Arg285Pro) variant results in a missense change replacing a non-conserved arginine with proline. The variant is located in a functionally important hotspot region of PLA2G6, where are 2 aminoacids with missense pathogenic changes in the window of +-8 aminoacids around while only 0 benign, 4 uncertain (PM1). This allele is rare in population databases, observed at a frequency of 0.00000459 in 1,308,470 control chromosomes in gnomAD, with no homozygous individuals (PM2). In silico tools (REVEL, AlphaMissense) predict a questionable effect on protein structure and/or function (BP4). Classification according to ACMG/AMP guidelines was performed using the GeneBe platform (PMID: 38440907). The association between PLA2G6 variants and NBIA is supported by published evidence (PMID: 37236368).

Literature cited by the submitters: PubMed 37236368.

NM_003560.4(PLA2G6):c.854G>C (p.Arg285Pro)

Gene: PLA2G6 (phospholipase A2 group VI; minus strand). Cytogenetic location: 22q13.1.
Variant type: single nucleotide variant.
Coding change: c.854G>C on transcript NM_003560.4 (MANE Select); coding-DNA position 854, G replaced by C.
Protein change: p.Arg285Pro; replaces arginine 285 with proline.
Molecular consequence: missense variant.
Genome position (GRCh38, 1-based): chr22:38,135,028, C>G on the plus strand (G>C on the coding strand, the complement: PLA2G6 is on the minus strand). VCF-style: chr22-38135028-C-G. GRCh37 (hg19) VCF-style: chr22-38531035-C-G.
Other names: c.854G>C, p.Arg285Pro (NM_001004426.3, NM_001199562.3, NM_001349864.2 and 2 more transcripts); c.320G>C, p.Arg107Pro (NM_001349867.2, NM_001349869.2); c.176G>C, p.Arg59Pro (NM_001349868.2); short protein forms R107P, R285P, R59P.
Identifiers: ClinVar variation 4526634 (VCV004526634.1).